The following is an entry in ClinVar:

ClinVar aggregate classification (germline): Uncertain significance. Review status: criteria provided, multiple submitters, no conflicts (2 of 4 stars). 4 submissions from 4 submitters: Uncertain significance (4). Last evaluated 2024-10-29.

Conditions:
Cystic fibrosis (CF). Also called: MUCOVISCIDOSIS. Identifiers: Orphanet 586, MedGen C0010674, MONDO:0009061, OMIM 219700. Disease mechanism: loss of function.

Allele frequency attached by ClinVar (database versions not stated): TOPMed below 0.00001; gnomAD 0.00001.
gnomAD v4.1: 4 of 1,609,206 alleles (0.00025%); highest among the groups gnomAD compares: Non-Finnish European, 0.00034%; no homozygotes.

Submissions (4):

Ambry Genetics
Classification: Uncertain significance for Cystic fibrosis. Last evaluated: 2024-10-29. Review status: criteria provided, single submitter. Criteria: Ambry Variant Classification Scheme 2023. Collection method: clinical testing. Allele origin: germline.
Comment: The p.R1128G variant (also known as c.3382A>G), located in coding exon 21 of the CFTR gene, results from an A to G substitution at nucleotide position 3382. The arginine at codon 1128 is replaced by glycine, an amino acid with dissimilar properties. This amino acid position is poorly conserved in available vertebrate species. In addition, the in silico prediction for this alteration is inconclusive. Based on the available evidence, the clinical significance of this variant remains unclear.

Women's Health and Genetics/Laboratory Corporation of America, LabCorp
Classification: Uncertain significance. Last evaluated: 2023-01-17. Review status: criteria provided, single submitter. Criteria: LabCorp Variant Classification Summary - May 2015. Collection method: clinical testing. Allele origin: germline.
Comment: Variant summary: CFTR c.3382A>G (p.Arg1128Gly) results in a non-conservative amino acid change located in the transmembrane domain (IPR011527) of the encoded protein sequence. Four of five in-silico tools predict a benign effect of the variant on protein function. The variant was absent in 251080 control chromosomes (gnomAD). The available data on variant occurrences in the general population are insufficient to allow any conclusion about variant significance. c.3382A>G has been reported in the literature in the heterozygous state together with F508del (phase unspecified/unknown) in an individual with high immunoreactive trypsinogen (IRT) during newborn screening; however no diagnosis of cystic fibrosis or other CFTR-related conditions, including chronic pancreatitis, was determined due to inadequate followup with the proband (Prach_2013). The variant has also been reported in one heterozygous individual with pancreatitis in the CFTR-France database. These reports do not provide unequivocal conclusions about association of the variant with Chronic Pancreatitis Risk. To our knowledge, no experimental evidence demonstrating an impact on protein function has been reported. One submitter has provided a clinical-significance assessment for this variant to ClinVar after 2014 and classified the variant as uncertain significance. Based on the evidence outlined above, the variant was classified as uncertain significance.

Labcorp Genetics (formerly Invitae), Labcorp
Classification: Uncertain significance for Cystic fibrosis. Last evaluated: 2022-08-09. Review status: criteria provided, single submitter. Criteria: Invitae Variant Classification Sherloc (09022015). Collection method: clinical testing. Allele origin: germline.
Comment: This sequence change replaces arginine, which is basic and polar, with glycine, which is neutral and non-polar, at codon 1128 of the CFTR protein (p.Arg1128Gly). This variant is not present in population databases (gnomAD no frequency). This variant has not been reported in the literature in individuals affected with CFTR-related conditions. ClinVar contains an entry for this variant (Variation ID: 289877). Algorithms developed to predict the effect of missense changes on protein structure and function (SIFT, PolyPhen-2, Align-GVGD) all suggest that this variant is likely to be tolerated. In summary, the available evidence is currently insufficient to determine the role of this variant in disease. Therefore, it has been classified as a Variant of Uncertain Significance.

Eurofins Ntd Llc (ga)
Classification: Uncertain significance. Last evaluated: 2016-07-28. Review status: criteria provided, single submitter. Criteria: EGL Classification Definitions 2015. Collection method: clinical testing. Allele origin: germline. Observed: 1 variant allele, 1 heterozygote.

Literature cited by the submitters: PubMed 23810505 (cited by Women's Health and Genetics/Laboratory Corporation of America, LabCorp and Eurofins Ntd Llc (ga)).

NM_000492.4(CFTR):c.3382A>G (p.Arg1128Gly)

Genes: CFTR (CF transmembrane conductance regulator; plus strand), CFTR-AS2 (CFTR antisense RNA 2; minus strand). Cytogenetic location: 7q31.2.
Variant type: single nucleotide variant.
Coding change: c.3382A>G on transcript NM_000492.4 (MANE Select); coding-DNA position 3382, A replaced by G.
Protein change: p.Arg1128Gly; replaces arginine 1128 with glycine.
Molecular consequence: missense variant.
Genome position (GRCh38, 1-based): chr7:117,614,627, A>G. VCF-style: chr7-117614627-A-G. GRCh37 (hg19) VCF-style: chr7-117254681-A-G.
Other names: c.3382A>G (NM_000492.3); short protein forms R1128G.
Identifiers: ClinVar variation 289877 (VCV000289877.10), dbSNP rs397508549, ClinGen allele CA10606586.
Genomic context (GRCh38, chr7:117,614,627, plus strand): 5'-GAGAGAAATAACATGAGGTTCATTTACGTCTTTTGTGCATCTATAGGAGAAGGAGAAGGA[A>G]GAGTTGGTATTATCCTGACTTTAGCCATGAATATCATGAGTACATTGCAGTGGGCTGTAA-3'
Protein context (NP_000483.3, residues 1118-1138): SILTTGEGEG[Arg1128Gly]VGIILTLAMN